The following is an entry in ClinVar:

NM_021625.5(TRPV4):c.1825-14G>A

Gene: TRPV4 (transient receptor potential cation channel subfamily V member 4; minus strand). Cytogenetic location: 12q24.11.
Variant type: single nucleotide variant.
Coding change: c.1825-14G>A on transcript NM_021625.5 (MANE Select); 14 bases into the intron before coding-DNA position 1825, G replaced by A.
Molecular consequence: intron variant.
Genome position (GRCh38, 1-based): chr12:109,792,443, C>T on the plus strand (G>A on the coding strand, the complement: TRPV4 is on the minus strand). VCF-style: chr12-109792443-C-T. GRCh37 (hg19) VCF-style: chr12-110230248-C-T.
Other names: c.1504-14G>A (NM_001177433.1); c.1684-14G>A (NM_001177428.1); c.1645-14G>A (NM_147204.2); c.1723-14G>A (NM_001177431.1).
Identifiers: ClinVar variation 507678 (VCV000507678.9), dbSNP rs114829048, ClinGen allele CA6780082.
Genomic context (GRCh38, chr12:109,792,443, plus strand): 5'-AAGAGCAAGTAGACGAGCAGGAATCGGAAAAGGTCCTTGAAGAGAATCTAAAGACCCCAG[C>T]GGGATTATGGAGGCAAAGAGGAGACACATGGTTTCTCACTTTCCCCATTCCTCCATCTCC-3'

ClinVar aggregate classification (germline): Benign/Likely benign. Review status: criteria provided, multiple submitters, no conflicts (2 of 4 stars). 3 submissions from 3 submitters: Benign (1); Likely benign (2). Last evaluated 2025-11-23.

Conditions:
Charcot-Marie-Tooth disease axonal type 2C (HMSN2C). Also called: CHARCOT-MARIE-TOOTH DISEASE, AXONAL, AUTOSOMAL DOMINANT, TYPE 2C; Charcot-Marie-Tooth Neuropathy Type 2C; Charcot-Marie-Tooth Disease Type 2, TRPV4-Related (CMT2C). Identifiers: Orphanet 99937, MedGen C1853710, MONDO:0011633, OMIM 606071.

Allele frequency attached by ClinVar (database versions not stated): ExAC 0.00065; 1000 Genomes Project 0.00359; 1000 Genomes Project 30x 0.00422; ESP Exome Variant Server 0.00161; gnomAD 0.00192 and 0.00206; TOPMed 0.00224; gnomAD exomes 0.00053.
gnomAD v4.1: 611 of 1,613,560 alleles (0.038%); highest among the groups gnomAD compares: African/African-American, 0.57%; 4 homozygotes.

Submissions (3):

Labcorp Genetics (formerly Invitae), Labcorp
Classification: Benign for Charcot-Marie-Tooth disease axonal type 2C. Last evaluated: 2025-11-23. Review status: criteria provided, single submitter. Criteria: Invitae Variant Classification Sherloc (09022015). Collection method: clinical testing. Allele origin: germline.

Blueprint Genetics
Classification: Likely benign. Last evaluated: 2024-10-31. Review status: criteria provided, single submitter. Criteria: ACMG Guidelines, 2015. Collection method: clinical testing. Allele origin: germline.

GeneDx
Classification: Likely benign. Last evaluated: 2017-09-22. Review status: criteria provided, single submitter. Criteria: GeneDx Variant Classification (06012015). Collection method: clinical testing. Allele origin: germline. Affected: yes.
Comment: This variant is considered likely benign or benign based on one or more of the following criteria: it is a conservative change, it occurs at a poorly conserved position in the protein, it is predicted to be benign by multiple in silico algorithms, and/or has population frequency not consistent with disease.